The following is an entry in ClinVar:

ClinVar aggregate classification (germline): Uncertain significance (1 of 4 stars; one submission).

Conditions:
Neurofibromatosis, type 1 (NF1). Also called: VON RECKLINGHAUSEN DISEASE; NEUROFIBROMATOSIS, TYPE I, SOMATIC; Peripheral type neurofibromatosis; Neurofibromatosis, type I. Identifiers: Orphanet 636, MedGen C0027831, MONDO:0018975, OMIM 162200. Disease mechanism: loss of function.

Allele frequency attached by ClinVar (database versions not stated): gnomAD exomes below 0.00001.
gnomAD v4.1: 2 of 1,614,002 alleles (0.00012%); highest among the groups gnomAD compares: Non-Finnish European, 0.00017%; no homozygotes.

Submission:

Labcorp Genetics (formerly Invitae), Labcorp
Classification: Uncertain significance for Neurofibromatosis, type 1. Last evaluated: 2021-05-03. Review status: criteria provided, single submitter. Criteria: Invitae Variant Classification Sherloc (09022015). Collection method: clinical testing. Allele origin: germline.
Comment: This sequence change replaces glutamic acid with aspartic acid at codon 1495 of the NF1 protein (p.Glu1495Asp). The glutamic acid residue is moderately conserved and there is a small physicochemical difference between glutamic acid and aspartic acid. This variant is not present in population databases (ExAC no frequency). This variant has not been reported in the literature in individuals with NF1-related conditions. Advanced modeling of protein sequence and biophysical properties (such as structural, functional, and spatial information, amino acid conservation, physicochemical variation, residue mobility, and thermodynamic stability) performed at Invitae indicates that this missense variant is not expected to disrupt NF1 protein function. In summary, the available evidence is currently insufficient to determine the role of this variant in disease. Therefore, it has been classified as a Variant of Uncertain Significance.

NM_001042492.3(NF1):c.4548G>T (p.Glu1516Asp)

Gene: NF1 (neurofibromin 1; plus strand). Cytogenetic location: 17q11.2.
Variant type: single nucleotide variant.
Coding change: c.4548G>T on transcript NM_001042492.3 (MANE Select); coding-DNA position 4548, G replaced by T.
Protein change: p.Glu1516Asp; replaces glutamic acid 1516 with aspartic acid.
Molecular consequence: missense variant.
Genome position (GRCh38, 1-based): chr17:31,260,486, G>T. VCF-style: chr17-31260486-G-T. GRCh37 (hg19) VCF-style: chr17-29587504-G-T.
Other names: c.4485G>T, p.Glu1495Asp (NM_000267.4); short protein forms E1495D, E1516D.
Identifiers: ClinVar variation 1503153 (VCV001503153.8), dbSNP rs1567863000, ClinGen allele CA398999822.
Genomic context (GRCh38, chr17:31,260,486, plus strand): 5'-TTCCTTCATAAGTGACGGCAATGTGCTTGCTTTACATCGTCTACTCTGGAACAATCAGGA[G>T]AAAATTGGGCAGTATCTTTCCAGCAACAGGTAAGATTTCCCAGTCATGGGGATAGTGAAC-3'
Protein context (NP_001035957.1, residues 1506-1526): ALHRLLWNNQ[Glu1516Asp]KIGQYLSSNR